The following is an entry in ClinVar:

ClinVar aggregate classification (germline): Conflicting classifications of pathogenicity. Review status: criteria provided, conflicting classifications (1 of 4 stars). 5 submissions from 5 submitters: Uncertain significance (2); Likely benign (2). 1 of the submissions does not count toward it. Last evaluated 2025-11-05.

Conditions:
Dystrophin deficiency.
Cardiomyopathy (CMYO). Also called: Cardiomyopathies. Identifiers: Orphanet 167848, MedGen C0878544, MONDO:0004994, HP:0001638. Inheritance: Various modes of inheritance.
Becker muscular dystrophy (BMD). Also called: Becker Muscular Dystrophy (BMD); MUSCULAR DYSTROPHY, PSEUDOHYPERTROPHIC PROGRESSIVE, BECKER TYPE. Identifiers: Orphanet 98895, MedGen C0917713, MONDO:0010311, OMIM 300376.
Duchenne muscular dystrophy (DMD). Also called: MUSCULAR DYSTROPHY, PSEUDOHYPERTROPHIC PROGRESSIVE, DUCHENNE TYPE; Duchenne Muscular Dystrophy (DMD). Identifiers: Orphanet 98896, MedGen C0013264, MONDO:0010679, OMIM 310200.

Allele frequency attached by ClinVar (database versions not stated): gnomAD 0.00001; TOPMed 0.00001; gnomAD exomes 0.00004; ExAC 0.00005.
gnomAD v4.1: 21 of 1,209,304 alleles (0.0017%); highest among the groups gnomAD compares: Non-Finnish European, 0.0023%; no homozygotes.

Submissions (5):

Labcorp Genetics (formerly Invitae), Labcorp
Classification: Likely benign for Duchenne muscular dystrophy. Last evaluated: 2025-11-05. Review status: criteria provided, single submitter. Criteria: Invitae Variant Classification Sherloc (09022015). Collection method: clinical testing. Allele origin: germline.

Women's Health and Genetics/Laboratory Corporation of America, LabCorp
Classification: Uncertain significance. Last evaluated: 2025-09-30. Review status: criteria provided, single submitter. Criteria: LabCorp Variant Classification Summary - May 2015. Collection method: clinical testing. Allele origin: germline.

CeGaT Center for Human Genetics Tuebingen
Classification: Uncertain significance. Last evaluated: 2018-07-01. Review status: criteria provided, single submitter. Criteria: CeGaT Center For Human Genetics Tuebingen Variant Classification Criteria Version 2. Collection method: clinical testing. Allele origin: germline. Affected: yes. Observed: 2 variant alleles.

GeneDx
Classification: Likely benign. Last evaluated: 2017-06-14. Review status: criteria provided, single submitter. Criteria: GeneDx Variant Classification (06012015). Collection method: clinical testing. Allele origin: germline. Affected: yes.
Comment: This variant is considered likely benign or benign based on one or more of the following criteria: it is a conservative change, it occurs at a poorly conserved position in the protein, it is predicted to be benign by multiple in silico algorithms, and/or has population frequency not consistent with disease.

Natera, Inc.
Classification: Likely benign for Becker muscular dystrophy; Cardiomyopathy; Duchenne muscular dystrophy; Dystrophin deficiency. Last evaluated: 2018-09-14. Review status: no assertion criteria provided. Collection method: clinical testing. Allele origin: germline. Not counted in ClinVar's aggregate classification.

NM_004006.3(DMD):c.3986C>T (p.Thr1329Ile)

Gene: DMD (dystrophin; minus strand). Cytogenetic location: Xp21.1.
Variant type: single nucleotide variant.
Coding change: c.3986C>T on transcript NM_004006.3 (MANE Select); coding-DNA position 3986, C replaced by T.
Protein change: p.Thr1329Ile; replaces threonine 1329 with isoleucine.
Molecular consequence: missense variant.
Genome position (GRCh38, 1-based): chrX:32,438,326, G>A on the plus strand (C>T on the coding strand, the complement: DMD is on the minus strand). VCF-style: chrX-32438326-G-A. GRCh37 (hg19) VCF-style: chrX-32456443-G-A.
Other names: c.3962C>T, p.Thr1321Ile (NM_000109.4); c.3974C>T, p.Thr1325Ile (NM_004009.3); c.3617C>T, p.Thr1206Ile (NM_004010.3); short protein forms T1329I, T1325I, T1206I, T1321I.
Identifiers: ClinVar variation 510043 (VCV000510043.52), dbSNP rs770827878, ClinGen allele CA10379136.